The following is an entry in ClinVar:

ClinVar aggregate classification (germline): Uncertain significance (1 of 4 stars; one submission).

Submission:

Labcorp Genetics (formerly Invitae), Labcorp
Classification: Uncertain significance. Last evaluated: 2025-04-29. Review status: criteria provided, single submitter. Criteria: Invitae Variant Classification Sherloc (09022015). Collection method: clinical testing. Allele origin: germline.
Comment: This sequence change replaces asparagine, which is neutral and polar, with serine, which is neutral and polar, at codon 206 of the CTNNB1 protein (p.Asn206Ser). This variant is not present in population databases (gnomAD no frequency). This variant has not been reported in the literature in individuals affected with CTNNB1-related conditions. Invitae Evidence Modeling of protein sequence and biophysical properties (such as structural, functional, and spatial information, amino acid conservation, physicochemical variation, residue mobility, and thermodynamic stability) indicates that this missense variant is not expected to disrupt CTNNB1 protein function with a negative predictive value of 80%. In summary, the available evidence is currently insufficient to determine the role of this variant in disease. Therefore, it has been classified as a Variant of Uncertain Significance.

NM_001904.4(CTNNB1):c.617A>G (p.Asn206Ser)

Genes: CTNNB1 (catenin beta 1; plus strand), LOC126806658 (BRD4-independent group 4 enhancer GRCh37_chr3:41265899-41267098; plus strand). Cytogenetic location: 3p22.1.
Variant type: single nucleotide variant.
Coding change: c.617A>G on transcript NM_001904.4 (MANE Select); coding-DNA position 617, A replaced by G.
Protein change: p.Asn206Ser; replaces asparagine 206 with serine.
Molecular consequence: missense variant.
Genome position (GRCh38, 1-based): chr3:41,225,455, A>G. VCF-style: chr3-41225455-A-G. GRCh37 (hg19) VCF-style: chr3-41266946-A-G.
Other names: c.617A>G, p.Asn206Ser (NM_001098209.2, NM_001098210.2, NM_001438871.1 and 4 more transcripts); c.596A>G, p.Asn199Ser (NM_001330729.2); short protein forms N199S, N206S.
Identifiers: ClinVar variation 4781447 (VCV004781447.1).
Genomic context (GRCh38, chr3:41,225,455, plus strand): 5'-ACGCTATCATGCGTTCTCCTCAGATGGTGTCTGCTATTGTACGTACCATGCAGAATACAA[A>G]TGATGTAGAAACAGCTCGTTGTACCGCTGGGACCTTGCATAACCTTTCCCATCATCGTGA-3'
Protein context (NP_001895.1, residues 196-216): SAIVRTMQNT[Asn206Ser]DVETARCTAG